The following is an entry in ClinVar:

ClinVar aggregate classification (germline): Uncertain significance (1 of 4 stars; one submission).

gnomAD v4.1: 1 of 1,614,214 alleles (0.000062%); highest among the groups gnomAD compares: Non-Finnish European, 0.000085%; no homozygotes.

Submission:

Labcorp Genetics (formerly Invitae), Labcorp
Classification: Uncertain significance. Last evaluated: 2022-10-17. Review status: criteria provided, single submitter. Criteria: Invitae Variant Classification Sherloc (09022015). Collection method: clinical testing. Allele origin: germline.
Comment: This variant has not been reported in the literature in individuals affected with TWNK-related conditions. In summary, the available evidence is currently insufficient to determine the role of this variant in disease. Therefore, it has been classified as a Variant of Uncertain Significance. Advanced modeling of protein sequence and biophysical properties (such as structural, functional, and spatial information, amino acid conservation, physicochemical variation, residue mobility, and thermodynamic stability) performed at Invitae indicates that this missense variant is expected to disrupt TWNK protein function. This variant is not present in population databases (gnomAD no frequency). This sequence change replaces serine, which is neutral and polar, with glycine, which is neutral and non-polar, at codon 203 of the TWNK protein (p.Ser203Gly).

NM_021830.5(TWNK):c.607A>G (p.Ser203Gly)

Gene: TWNK (twinkle mtDNA helicase; plus strand). Cytogenetic location: 10q24.31.
Variant type: single nucleotide variant.
Coding change: c.607A>G on transcript NM_021830.5 (MANE Select); coding-DNA position 607, A replaced by G.
Protein change: p.Ser203Gly; replaces serine 203 with glycine.
Molecular consequence: missense variant. On other transcripts: non-coding transcript variant (4), intron variant (3).
Genome position (GRCh38, 1-based): chr10:100,988,817, A>G. VCF-style: chr10-100988817-A-G. GRCh37 (hg19) VCF-style: chr10-102748574-A-G.
Other names: c.607A>G, p.Ser203Gly (NM_001163812.2); c.-119-827A>G (NM_001163814.2, NM_001163813.2); c.-57-889A>G (NM_001368275.1); short protein forms S203G.
Identifiers: ClinVar variation 2035880 (VCV002035880.4), dbSNP rs563671198, ClinGen allele CA378207782.